The following continues an entry in ClinVar:

NM_032043.3(BRIP1):c.1735C>T (p.Arg579Cys)

Gene: BRIP1. ClinVar aggregate classification (germline): Conflicting classifications of pathogenicity. Uncertain significance (12); Benign (1); Likely benign (1).

Submissions 13 to 17 of 17:

ARUP Laboratories, Molecular Genetics and Genomics, ARUP Laboratories
Classification: Uncertain significance. Last evaluated: 2018-05-06. Review status: criteria provided, single submitter. Criteria: ARUP Molecular Germline Variant Investigation Process. Collection method: clinical testing. Allele origin: germline.
Comment: The BRIP1 c.1735C>T; p.Arg579Cys variant (rs28997571) is reported in the germline of individuals with different cancer types, including breast cancer (Easton 2016, Shindo 2017, Tung 2015, Yurgelun 2017), but is also reported in healthy controls (Easton 2016). This variant is reported as uncertain by multiple laboratories in ClinVar (Variation ID: 128162). It is found in the general population with an overall allele frequency of 0.01% (35/277158 alleles) in the Genome Aggregation Database. The arginine at codon 579 is weakly conserved, but computational analyses (SIFT: Damaging, PolyPhen-2: Benign) predict conflicting effects of this variant on protein structure/function. Due to limited information, the clinical significance of the p.Arg579Cys variant is uncertain at this time. REFERENCES Easton DF et al. No evidence that protein truncating variants in BRIP1 are associated with breast cancer risk: implications for gene panel testing. J Med Genet. 2016 May;53(5):298-309. Shindo K et al. Deleterious Germline Mutations in Patients With Apparently Sporadic Pancreatic Adenocarcinoma. J Clin Oncol. 2017 Oct 20;35(30):3382-3390. Tung N et al. Frequency of mutations in individuals with breast cancer referred for BRCA1 and BRCA2 testing using next-generation sequencing with a 25-gene panel. Cancer. 2015 Jan 1;121(1):25-33. Yurgelun MB et al. Cancer Susceptibility Gene Mutations in Individuals With Colorectal Cancer. J Clin Oncol. 2017 Apr 1;35(10):1086-1095.

Illumina Laboratory Services, Illumina
Classification: Uncertain significance for Fanconi anemia complementation group J. Last evaluated: 2018-01-13. Review status: criteria provided, single submitter. Criteria: ICSL Variant Classification Criteria 13 December 2019. Collection method: clinical testing. Allele origin: germline.

Counsyl
Classification: Uncertain significance for Fanconi anemia complementation group J. Last evaluated: 2016-09-27. Review status: no assertion criteria provided. Collection method: clinical testing. Allele origin: unknown. Not counted in ClinVar's aggregate classification.

Counsyl
Classification: Uncertain significance for Ovarian cancer. Last evaluated: 2016-09-27. Review status: no assertion criteria provided. Collection method: clinical testing. Allele origin: unknown. Not counted in ClinVar's aggregate classification.

Department of Pathology and Laboratory Medicine, Sinai Health System
Classification: Uncertain significance for Fanconi anemia complementation group J. Review status: no assertion criteria provided. Collection method: clinical testing. Allele origin: unknown. Affected: yes. Study: The Canadian Open Genetics Repository (COGR). Not counted in ClinVar's aggregate classification.
Comment: The BRIP1 p.Arg579Cys variant was identified in 4 of 31004 proband chromosomes (frequency: 0.0002) from individuals or families with breast cancer, pancreatic cancer or colorectal cancer and was present in 1 of 10484 control chromosomes (frequency: 0.0001) from healthy individuals (Easton 2016, Shindo 2017, Tung 2015, Yurgelun 2017). The variant was also identified in dbSNP (ID: rs28997571) as "With Uncertain significance allele" and ClinVar (classified as uncertain significance by Invitae, Counsyl and six other submitters; and as likely benign by Color). The variant was identified in control databases in 35 of 277158 chromosomes at a frequency of 0.0001 (Genome Aggregation Database Feb 27, 2017). The variant was observed in the following populations: African in 24 of 24026 chromosomes (freq: 0.001), Other in 1 of 6466 chromosomes (freq: 0.0002), Latino in 1 of 34420 chromosomes (freq: 0.00003), European in 7 of 126668 chromosomes (freq: 0.00006), and Ashkenazi Jewish in 2 of 10150 chromosomes (freq: 0.00019); it was not observed in the East Asian, Finnish, or South Asian populations. The p.Arg579 residue is not conserved in mammals and four out of five computational analyses (PolyPhen-2, SIFT, AlignGVGD, BLOSUM, MutationTaster) do not suggest a high likelihood of impact to the protein; however, this information is not predictive enough to rule out pathogenicity. The variant occurs outside of the splicing consensus sequence and in silico or computational prediction software programs (SpliceSiteFinder, MaxEntScan, NNSPLICE, GeneSplicer) do not predict a difference in splicing. In summary, based on the above information, the clinical significance of this variant cannot be determined with certainty at this time. This variant is classified as a variant of uncertain significance.

Literature cited by the submitters: PubMed 25186627 (cited by 5 submitters); PubMed 26921362 (cited by 5 submitters); PubMed 28135145 (cited by 4 submitters); PubMed 28767289 (cited by 4 submitters); PubMed 31822495 (cited by 5 submitters); PubMed 34326862 (cited by Labcorp Genetics (formerly Invitae), Labcorp and Quest Diagnostics Nichols Institute San Juan Capistrano); PubMed 36315513 (cited by 3 submitters); PubMed 17033622 (cited by Women's Health and Genetics/Laboratory Corporation of America, LabCorp and Sema4); PubMed 33471991 (cited by 3 submitters); PubMed 36845387 (cited by Women's Health and Genetics/Laboratory Corporation of America, LabCorp and Quest Diagnostics Nichols Institute San Juan Capistrano); PubMed 38874686 (cited by Quest Diagnostics Nichols Institute San Juan Capistrano); PubMed 32659497 (cited by Sema4).